The following is an entry in ClinVar:

ClinVar aggregate classification (germline): Likely benign. Review status: criteria provided, multiple submitters, no conflicts (2 of 4 stars). 2 submissions from 2 submitters: Likely benign (2). Last evaluated 2023-04-01.

Allele frequency attached by ClinVar (database versions not stated): gnomAD exomes 0.00005; ExAC 0.00011; gnomAD 0.00017; ESP Exome Variant Server 0.00019; 1000 Genomes Project 30x 0.00021; 1000 Genomes Project 0.00026.

Submissions (2):

CeGaT Center for Human Genetics Tuebingen
Classification: Likely benign. Last evaluated: 2023-04-01. Review status: criteria provided, single submitter. Criteria: CeGaT Center For Human Genetics Tuebingen Variant Classification Criteria Version 2. Collection method: clinical testing. Allele origin: germline. Affected: yes. Observed: 1 variant allele.
Comment: ZXDA: BS2

Ambry Genetics
Classification: Likely benign. Last evaluated: 2022-08-17. Review status: criteria provided, single submitter. Criteria: Ambry Variant Classification Scheme 2023. Collection method: clinical testing. Allele origin: germline.

NM_007156.5(ZXDA):c.2251G>A (p.Ala751Thr)

Gene: ZXDA (zinc finger X-linked duplicated A; minus strand). Cytogenetic location: Xp11.21.
Variant type: single nucleotide variant.
Coding change: c.2251G>A on transcript NM_007156.5 (MANE Select); coding-DNA position 2251, G replaced by A.
Protein change: p.Ala751Thr; replaces alanine 751 with threonine.
Molecular consequence: missense variant.
Genome position (GRCh38, 1-based): chrX:57,908,170, C>T on the plus strand (G>A on the coding strand, the complement: ZXDA is on the minus strand). VCF-style: chrX-57908170-C-T. GRCh37 (hg19) VCF-style: chrX-57934604-C-T.
Other names: short protein forms A751T.
Identifiers: ClinVar variation 2346432 (VCV002346432.26), dbSNP rs376268202, ClinGen allele CA10431372.
Genomic context (GRCh38, chrX:57,908,170, plus strand): 5'-GGGTTTCTCCCTCCTGTCCAAAGAAGTCAGAGTTAGGATGTACGCTCCACTCCGCTTTGG[C>T]TGGTGTCAGTAGTTCTGAGACACTGTTTTCACAAAGGGTGCTCGAAGGAGTCAGAGTATC-3'
Protein context (NP_009087.1, residues 741-761): ENSVSELLTP[Ala751Thr]KAEWSVHPNS